The following is an entry in ClinVar:

ClinVar aggregate classification (germline): Likely benign. Review status: criteria provided, multiple submitters, no conflicts (2 of 4 stars). 2 submissions from 2 submitters: Likely benign (2). Last evaluated 2018-06-14.

Allele frequency attached by ClinVar (database versions not stated): gnomAD 0.01448 and 0.01542; ESP Exome Variant Server 0.01604; TOPMed 0.01704; 1000 Genomes Project 0.01917; 1000 Genomes Project 30x 0.02046.
gnomAD v4.1: 4,648 of 1,608,206 alleles (0.29%); highest among the groups gnomAD compares: African/African-American, 5.1%; 126 homozygotes.

Submissions (2):

GeneDx
Classification: Likely benign. Last evaluated: 2018-06-14. Review status: criteria provided, single submitter. Criteria: GeneDx Variant Classification (06012015). Collection method: clinical testing. Allele origin: germline. Affected: yes.
Comment: This variant is considered likely benign or benign based on one or more of the following criteria: it is a conservative change, it occurs at a poorly conserved position in the protein, it is predicted to be benign by multiple in silico algorithms, and/or has population frequency not consistent with disease.

Breakthrough Genomics
Classification: Likely benign. Review status: criteria provided, single submitter. Criteria: ACMG Guidelines, 2015. Collection method: not provided. Allele origin: germline. Inheritance: Autosomal dominant inheritance. Affected: yes.

NM_001458.5(FLNC):c.1211-52C>T

Gene: FLNC (filamin C; plus strand). Cytogenetic location: 7q32.1.
Variant type: single nucleotide variant.
Coding change: c.1211-52C>T on transcript NM_001458.5 (MANE Select); 52 bases into the intron before coding-DNA position 1211, C replaced by T.
Molecular consequence: intron variant.
Genome position (GRCh38, 1-based): chr7:128,838,551, C>T. VCF-style: chr7-128838551-C-T. GRCh37 (hg19) VCF-style: chr7-128478605-C-T.
Other names: c.1211-52C>T (NM_001127487.2).
Identifiers: ClinVar variation 678399 (VCV000678399.2), dbSNP rs113902193, ClinGen allele CA166215117.